The following is an entry in ClinVar:

ClinVar aggregate classification (germline): Uncertain significance (1 of 4 stars; one submission).

gnomAD v4.1: 1 of 1,613,828 alleles (0.000062%); highest among the groups gnomAD compares: African/African-American, 0.0013%; no homozygotes.

Submission:

GeneDx
Classification: Uncertain significance. Last evaluated: 2024-12-02. Review status: criteria provided, single submitter. Criteria: GeneDx Variant Classification Process June 2021. Collection method: clinical testing. Allele origin: germline. Affected: yes.
Comment: Not observed at significant frequency in large population cohorts (gnomAD); In silico analysis indicates that this missense variant does not alter protein structure/function; Has not been previously published as pathogenic or benign to our knowledge

NM_022124.6(CDH23):c.9014C>A (p.Ala3005Glu)

Gene: CDH23 (cadherin related 23; plus strand). Cytogenetic location: 10q22.1.
Variant type: single nucleotide variant.
Coding change: c.9014C>A on transcript NM_022124.6 (MANE Select); coding-DNA position 9014, C replaced by A.
Protein change: p.Ala3005Glu; replaces alanine 3005 with glutamic acid.
Molecular consequence: missense variant.
Genome position (GRCh38, 1-based): chr10:71,810,506, C>A. VCF-style: chr10-71810506-C-A. GRCh37 (hg19) VCF-style: chr10-73570263-C-A.
Other names: c.2294C>A, p.Ala765Glu (NM_001171933.1, NM_001171934.1); short protein forms A3005E, A765E.
Identifiers: ClinVar variation 3900899 (VCV003900899.1).